The following is an entry in ClinVar:

NM_001365999.1(SZT2):c.10157C>G (p.Ser3386Cys)

Gene: SZT2 (SZT2 subunit of KICSTOR complex; plus strand). Cytogenetic location: 1p34.2.
Variant type: single nucleotide variant.
Coding change: c.10157C>G on transcript NM_001365999.1 (MANE Select); coding-DNA position 10157, C replaced by G.
Protein change: p.Ser3386Cys; replaces serine 3386 with cysteine.
Molecular consequence: missense variant.
Genome position (GRCh38, 1-based): chr1:43,450,338, C>G. VCF-style: chr1-43450338-C-G. GRCh37 (hg19) VCF-style: chr1-43916009-C-G.
Other names: c.9986C>G, p.Ser3329Cys (NM_015284.4); short protein forms S3329C, S3386C.
Identifiers: ClinVar variation 937298 (VCV000937298.8), dbSNP rs139371901, ClinGen allele CA811125.
Genomic context (GRCh38, chr1:43,450,338, plus strand): 5'-CCTCCTATCCCCACCCATGCCCTCCTCTCACCAGTGCATCCCCACCGTGTTCCCCACAGT[C>G]TCTGACAGTGGTTTTCCGAGAGCCCTTCCCAGTACAGCCCCAGGACAGCGAGAGCCCCCC-3'
Protein context (NP_001352928.1, residues 3376-3396): VFLDSHLGKT[Ser3386Cys]LTVVFREPFP

ClinVar aggregate classification (germline): Uncertain significance. Review status: criteria provided, multiple submitters, no conflicts (2 of 4 stars). 2 submissions from 2 submitters: Uncertain significance (2). Last evaluated 2025-09-10.

Conditions:
Inborn genetic diseases. Identifiers: MedGen C0950123, MeSH D030342.

Allele frequency attached by ClinVar (database versions not stated): gnomAD exomes 0.00001; ExAC 0.00002; gnomAD 0.00002; TOPMed 0.00002; ESP Exome Variant Server 0.00008.
gnomAD v4.1: 36 of 1,613,984 alleles (0.0022%); highest among the groups gnomAD compares: Non-Finnish European, 0.0031%; no homozygotes.

Submissions (2):

Ambry Genetics
Classification: Uncertain significance for Inborn genetic diseases. Last evaluated: 2025-09-10. Review status: criteria provided, single submitter. Criteria: Ambry Variant Classification Scheme 2023. Collection method: clinical testing. Allele origin: germline.

Labcorp Genetics (formerly Invitae), Labcorp
Classification: Uncertain significance. Last evaluated: 2022-07-26. Review status: criteria provided, single submitter. Criteria: Invitae Variant Classification Sherloc (09022015). Collection method: clinical testing. Allele origin: germline.
Comment: This sequence change replaces serine, which is neutral and polar, with cysteine, which is neutral and slightly polar, at codon 3329 of the SZT2 protein (p.Ser3329Cys). This variant is present in population databases (rs139371901, gnomAD 0.002%). This variant has not been reported in the literature in individuals affected with SZT2-related conditions. ClinVar contains an entry for this variant (Variation ID: 937298). Algorithms developed to predict the effect of missense changes on protein structure and function are either unavailable or do not agree on the potential impact of this missense change (SIFT: "Tolerated"; PolyPhen-2: "Probably Damaging"; Align-GVGD: "Class C25"). In summary, the available evidence is currently insufficient to determine the role of this variant in disease. Therefore, it has been classified as a Variant of Uncertain Significance.